The following is an entry in ClinVar:

ClinVar aggregate classification (germline): Likely pathogenic (1 of 4 stars; one submission).

Conditions:
WT1-related disorder. Also called: WT1-related disorders. Identifiers: MedGen CN377814.

Submission:

PreventionGenetics, part of Exact Sciences
Classification: Likely pathogenic for WT1-related condition. Last evaluated: 2023-08-30. Review status: criteria provided, single submitter. Criteria: ACMG Guidelines, 2015. Collection method: clinical testing. Allele origin: germline.
Comment: The WT1 c.798_817dup20 variant is predicted to result in a frameshift and premature protein termination (p.Pro273Argfs*20). To our knowledge, this variant has not been reported in the literature or in a large population database, indicating this variant is rare. Frameshift variants in WT1 are expected to be pathogenic. This variant is interpreted as likely pathogenic.

NM_024426.6(WT1):c.813_832dup (p.Pro278fs)

Gene: WT1 (WT1 transcription factor; minus strand). Cytogenetic location: 11p13.
Variant type: Duplication.
Coding change: c.813_832dup on transcript NM_024426.6 (MANE Select); coding-DNA positions 813 to 832, 20 bases duplicated (GGTCTATGGCTGCCACACCC).
Protein change: p.Pro278fs; shifts the reading frame from proline 278.
Molecular consequence: frameshift variant. On other transcripts: non-coding transcript variant (2).
Genome position (GRCh38, 1-based): chr11:32,428,011-32,428,030, GGGTGTGGCAGCCATAGACC duplicated on the plus strand (GGTCTATGGCTGCCACACCC on the coding strand, the reverse complement: WT1 is on the minus strand); duplicating any 20 consecutive bases within chr11:32,428,011-32,428,033 gives the same sequence; the c. name uses the placement nearest the transcript's 3' end. VCF-style (leftmost placement, unchanged base first): chr11-32428010-G-GGGGTGTGGCAGCCATAGACC. GRCh37 (hg19) VCF-style: chr11-32449556-G-GGGGTGTGGCAGCCATAGACC.
Other names: c.813_832dup, p.Pro278fs (NM_000378.6, NM_001407044.1, NM_001407045.1 and 4 more transcripts); c.162_181dup, p.Pro61fs (NM_001198551.2, NM_001198552.2); c.690_709dup, p.Pro237fs (NM_001407047.1, NM_001407050.1); c.51_70dup, p.Pro24fs (NM_001407051.1); c.795_814dup, p.Pro273Argfs (NM_024425.2); short protein forms P237fs, P24fs, P278fs, P61fs.
Identifiers: ClinVar variation 2630784 (VCV002630784.1), dbSNP rs2494425752, ClinGen allele CA2695201110.